The following is an entry in ClinVar:

NM_000059.4(BRCA2):c.8120A>T (p.Lys2707Ile)

Gene: BRCA2 (BRCA2 DNA repair associated; plus strand). Cytogenetic location: 13q13.1.
Variant type: single nucleotide variant.
Coding change: c.8120A>T on transcript NM_000059.4 (MANE Select); coding-DNA position 8120, A replaced by T.
Protein change: p.Lys2707Ile; replaces lysine 2707 with isoleucine.
Molecular consequence: missense variant.
Genome position (GRCh38, 1-based): chr13:32,363,322, A>T. VCF-style: chr13-32363322-A-T. GRCh37 (hg19) VCF-style: chr13-32937459-A-T.
Other names: short protein forms K2707I.
Identifiers: ClinVar variation 1483112 (VCV001483112.8), dbSNP rs2072756636, ClinGen allele CA387749388.

ClinVar aggregate classification (germline): Uncertain significance (1 of 4 stars; one submission).

Conditions:
Hereditary breast ovarian cancer syndrome. Also called: Hereditary breast and ovarian cancer; BRCA1- and BRCA2-Associated Hereditary Breast and Ovarian Cancer; Hereditary breast and ovarian cancer syndrome; Hereditary breast and ovarian cancer syndrome (HBOC); Breast and ovarian cancer; Hereditary breast and/or ovarian cancer syndrome. Identifiers: Orphanet 145, MedGen C0677776, MeSH D061325, MONDO:0003582. Disease mechanism: loss of function.

Submission:

Labcorp Genetics (formerly Invitae), Labcorp
Classification: Uncertain significance for Hereditary breast ovarian cancer syndrome. Last evaluated: 2025-06-30. Review status: criteria provided, single submitter. Criteria: Invitae Variant Classification Sherloc (09022015). Collection method: clinical testing. Allele origin: germline.
Comment: This sequence change replaces lysine, which is basic and polar, with isoleucine, which is neutral and non-polar, at codon 2707 of the BRCA2 protein (p.Lys2707Ile). This variant is not present in population databases (gnomAD no frequency). This variant has not been reported in the literature in individuals affected with BRCA2-related conditions. ClinVar contains an entry for this variant (Variation ID: 1483112). Invitae Evidence Modeling of protein sequence and biophysical properties (such as structural, functional, and spatial information, amino acid conservation, physicochemical variation, residue mobility, and thermodynamic stability) indicates that this missense variant is not expected to disrupt BRCA2 protein function with a negative predictive value of 95%. In summary, the available evidence is currently insufficient to determine the role of this variant in disease. Therefore, it has been classified as a Variant of Uncertain Significance.